The following is an entry in ClinVar:

ClinVar aggregate classification (germline): Pathogenic/Likely pathogenic. Review status: criteria provided, multiple submitters, no conflicts (2 of 4 stars). 10 submissions from 9 submitters: Pathogenic (4); Likely pathogenic (1). 5 of the submissions do not count toward it. Last evaluated 2026-01-05.

Conditions:
Nephropathic cystinosis (CTNS). Also called: Abderhalden Lignac Kaufmann disease; Abderhalden-Kaufmann-Lignac syndrome; CYSTINOSIN, DEFECT OF; LYSOSOMAL CYSTINE TRANSPORT PROTEIN, DEFECT OF. Identifiers: Orphanet 213, Orphanet 411629, MedGen C2931187, MONDO:0100151, OMIM 219800.
Ocular cystinosis. Also called: Non-Nephropathic (Ocular) Cystinosis; Non-Nephropathic Cystinosis. Identifiers: Orphanet 213, Orphanet 411641, MedGen C2931013, MONDO:0009064, OMIM 219750.
Juvenile nephropathic cystinosis. Also called: Later-Onset (Juvenile) Cystinosis; Intermediate Cystinosis; CYSTINOSIS, LATE-ONSET JUVENILE OR ADOLESCENT NEPHROPATHIC TYPE. Identifiers: Orphanet 213, Orphanet 411634, MedGen C0268626, MONDO:0009066, OMIM 219900.
Cystinosis. Also called: Cystine diathesis; Cystine storage disease; Cystinoses. Identifiers: Orphanet 213, MedGen C4316899, MONDO:0016239.
Inborn genetic diseases. Identifiers: MedGen C0950123, MeSH D030342.
Cystinosis, atypical nephropathic. Identifiers: MedGen C2749685.

Allele frequency attached by ClinVar (database versions not stated): gnomAD exomes 0.00001 and below 0.00001; gnomAD 0.00001; ExAC 0.00001; TOPMed 0.00002.
gnomAD v4.1: 4 of 1,614,056 alleles (0.00025%); highest among the groups gnomAD compares: Admixed American, 0.0033%; no homozygotes.

Submissions (10):

Natera, Inc.
Classification: Pathogenic for Cystinosis. Last evaluated: 2026-01-05. Review status: criteria provided, single submitter. Criteria: Natera Variant Classification Schema (03/2026). Collection method: clinical testing. Allele origin: germline.
Comment: The c.416C>T variant in CTNS is a missense variant predicted to cause substitution of serine to phenylalanine at amino acid 139. This variant is rare in the general population with a frequency below the threshold expected for the associated phenotype(s). This variant has been observed in one or more individuals affected with the associated recessive disease, as either homozygous or compound heterozygous with a second variant (PMID: 18178779, 19863563, 10556299). Additionally, this variant has been observed to segregate in affected family members (PMID: 18178779). Functional studies show that this variant may disrupt protein function (PMID: 15128704). Computational prediction algorithms indicate this variant is likely to affect gene or protein function. Given the available evidence, this variant is classified as Pathogenic.

GeneDx
Classification: Pathogenic. Last evaluated: 2025-12-09. Review status: criteria provided, single submitter. Criteria: GeneDx Variant Classification Process June 2021. Collection method: clinical testing. Allele origin: germline.
Comment: Observed in the homozygous state or with a pathogenic variant, phase unknown, in unrelated patients with both infantile and intermediate cystinosis in published literature, and not observed in homozygous state in controls (PMID: 10556299, 18178779, 19863563); Published functional studies demonstrate that this variant completely abolishes cysteine transport (PMID: 15128704); Not observed at significant frequency in large population cohorts (gnomAD); In silico analysis supports that this missense variant has a deleterious effect on protein structure/function; This variant is associated with the following publications: (PMID: 31589614, 24255892, 20301574, 31074291, 10556299, Krall_2022, 15128704, 18178779, 19863563)

Labcorp Genetics (formerly Invitae), Labcorp
Classification: Pathogenic for Inborn genetic diseases; Ocular cystinosis; Juvenile nephropathic cystinosis. Last evaluated: 2025-10-21. Review status: criteria provided, single submitter. Criteria: Invitae Variant Classification Sherloc (09022015). Collection method: clinical testing. Allele origin: germline.
Comment: This sequence change replaces serine, which is neutral and polar, with phenylalanine, which is neutral and non-polar, at codon 139 of the CTNS protein (p.Ser139Phe). This variant is present in population databases (rs267606754, gnomAD 0.003%). This missense change has been observed in individual(s) with cystinosis (PMID: 10556299, 18178779, 19863563, 31074291). ClinVar contains an entry for this variant (Variation ID: 4458). Invitae Evidence Modeling of protein sequence and biophysical properties (such as structural, functional, and spatial information, amino acid conservation, physicochemical variation, residue mobility, and thermodynamic stability) indicates that this missense variant is expected to disrupt CTNS protein function with a positive predictive value of 80%. Experimental studies have shown that this missense change affects CTNS function (PMID: 15128704). For these reasons, this variant has been classified as Pathogenic.

Baylor Genetics
Classification: Pathogenic for Nephropathic cystinosis. Last evaluated: 2024-02-27. Review status: criteria provided, single submitter. Criteria: ACMG Guidelines, 2015. Collection method: clinical testing. Allele origin: unknown.

Fulgent Genetics
Classification: Likely pathogenic for Ocular cystinosis; Nephropathic cystinosis; Juvenile nephropathic cystinosis. Last evaluated: 2021-12-20. Review status: criteria provided, single submitter. Criteria: ACMG Guidelines, 2015. Collection method: clinical testing. Allele origin: unknown.

Counsyl
Classification: Likely pathogenic for Cystinosis. Last evaluated: 2014-05-30. Review status: no assertion criteria provided. Collection method: literature only. Allele origin: unknown. Inheritance: Autosomal recessive inheritance. Not counted in ClinVar's aggregate classification.

OMIM
Classification: Pathogenic for CYSTINOSIS, LATE-ONSET JUVENILE OR ADOLESCENT NEPHROPATHIC TYPE. Last evaluated: 2009-11-01. Review status: no assertion criteria provided. Collection method: literature only. Allele origin: germline. Not counted in ClinVar's aggregate classification.

OMIM
Classification: Pathogenic for CYSTINOSIS, ATYPICAL NEPHROPATHIC. Last evaluated: 2009-11-01. Review status: no assertion criteria provided. Collection method: literature only. Allele origin: germline. Not counted in ClinVar's aggregate classification.

GeneReviews
No classification provided. Condition: Cystinosis. Review status: no classification provided. Collection method: literature only. Allele origin: germline. Affected: yes. Not counted in ClinVar's aggregate classification.

Research Laboratory of Human Genome and Multifactorial Diseases, Faculty of Pharmacy, University of Monastir
Classification: Pathogenic for Nephropathic cystinosis. Review status: no assertion criteria provided. Collection method: clinical testing. Allele origin: germline. Inheritance: Autosomal recessive inheritance. Affected: yes. Observed: 1 variant allele, 1 homozygote. Not counted in ClinVar's aggregate classification.

Literature cited by the submitters: PubMed 18178779 (cited by Natera, Inc. and Labcorp Genetics (formerly Invitae), Labcorp); PubMed 19863563 (cited by 4 submitters); PubMed 10556299 (cited by 4 submitters); PubMed 15128704 (cited by 3 submitters); PubMed 31074291 (cited by Labcorp Genetics (formerly Invitae), Labcorp); NCBI Bookshelf NBK1400 (cited by GeneReviews).

NM_004937.3(CTNS):c.416C>T (p.Ser139Phe)

Genes: CTNS (cystinosin, lysosomal cystine transporter; plus strand), CTNS-AS1 (CTNS antisense RNA 1; minus strand). Cytogenetic location: 17p13.2.
Variant type: single nucleotide variant.
Coding change: c.416C>T on transcript NM_004937.3 (MANE Select); coding-DNA position 416, C replaced by T.
Protein change: p.Ser139Phe; replaces serine 139 with phenylalanine.
Molecular consequence: missense variant. On other transcripts: 5 prime UTR variant (4).
Genome position (GRCh38, 1-based): chr17:3,655,307, C>T. VCF-style: chr17-3655307-C-T. GRCh37 (hg19) VCF-style: chr17-3558601-C-T.
Other names: c.416C>T, p.Ser139Phe (NM_001031681.3, NM_001374492.1); c.-26C>T (NM_001374493.1, NM_001374494.1, NM_001374495.1 and 1 more transcripts); short protein forms S139F.
Identifiers: ClinVar variation 4458 (VCV000004458.22), dbSNP rs267606754, ClinGen allele CA116861.
Genomic context (GRCh38, chr17:3,655,307, plus strand): 5'-GCAGCAGCGCCATTAGCATCATAAACCAGGTGATTGGCTGGATCTACTTTGTGGCCTGGT[C>T]CATCTCCTTCTACCCTCAGGTGATCATGAATTGGAGGCGGAAAAGGTAACCCCCTGGGCC-3'
Protein context (NP_004928.2, residues 129-149): VIGWIYFVAW[Ser139Phe]ISFYPQVIMN